The following is an entry in ClinVar:

NM_025114.4(CEP290):c.5013G>C (p.Gln1671His)

Gene: CEP290 (centrosomal protein 290; minus strand). Cytogenetic location: 12q21.32.
Variant type: single nucleotide variant.
Coding change: c.5013G>C on transcript NM_025114.4 (MANE Select); coding-DNA position 5013, G replaced by C.
Protein change: p.Gln1671His; replaces glutamine 1671 with histidine.
Molecular consequence: missense variant.
Genome position (GRCh38, 1-based): chr12:88,080,395, C>G on the plus strand (G>C on the coding strand, the complement: CEP290 is on the minus strand). VCF-style: chr12-88080395-C-G. GRCh37 (hg19) VCF-style: chr12-88474172-C-G.
Other names: short protein forms Q1671H.
Identifiers: ClinVar variation 1042483 (VCV001042483.7), dbSNP rs1173154577, ClinGen allele CA385991678.

ClinVar aggregate classification (germline): Uncertain significance. Review status: criteria provided, multiple submitters, no conflicts (2 of 4 stars). 2 submissions from 2 submitters: Uncertain significance (2). Last evaluated 2021-10-12.

Conditions:
Joubert syndrome. Also called: Familial aplasia of the vermis; CEREBELLOPARENCHYMAL DISORDER IV; JOUBERT-BOLTSHAUSER SYNDROME. Identifiers: Orphanet 475, MedGen C5979921, MONDO:0018772.
Meckel-Gruber syndrome. Also called: Dysencephalia splachnocystica; DYSENCEPHALIA SPLANCHNOCYSTICA; GRUBER SYNDROME. Identifiers: Orphanet 564, MedGen C0265215, MONDO:0018921.
Nephronophthisis. Also called: Juvenile Nephronophthisis. Identifiers: Orphanet 655, MedGen C0687120, MONDO:0019005, HP:0000090.
Leber congenital amaurosis 10 (LCA10). Identifiers: Orphanet 65, MedGen C1857821, MONDO:0012723, OMIM 611755.
Meckel syndrome, type 4 (MKS4). Also called: MECKEL-GRUBER SYNDROME, TYPE 4. Identifiers: Orphanet 564, MedGen C1970161, MONDO:0012626, OMIM 611134.
Joubert syndrome 5 (JBTS5). Identifiers: Orphanet 2318, MedGen C1857780, MONDO:0012432, OMIM 610188.
Bardet-Biedl syndrome 14 (BBS14). Identifiers: Orphanet 110, MedGen C2673874, MONDO:0014442, OMIM 615991.
Senior-Loken syndrome 6 (SLSN6). Identifiers: Orphanet 3156, MedGen C1857779, MONDO:0012433, OMIM 610189.

gnomAD v4.1: 5 of 1,604,852 alleles (0.00031%); highest among the groups gnomAD compares: Non-Finnish European, 0.00017%; no homozygotes.

Submissions (2):

Fulgent Genetics
Classification: Uncertain significance for Joubert syndrome 5; Senior-Loken syndrome 6; Meckel syndrome, type 4; Leber congenital amaurosis 10; Bardet-Biedl syndrome 14. Last evaluated: 2021-10-12. Review status: criteria provided, single submitter. Criteria: ACMG Guidelines, 2015. Collection method: clinical testing. Allele origin: unknown.

Labcorp Genetics (formerly Invitae), Labcorp
Classification: Uncertain significance for Joubert syndrome; Meckel-Gruber syndrome; Nephronophthisis. Last evaluated: 2021-08-31. Review status: criteria provided, single submitter. Criteria: Invitae Variant Classification Sherloc (09022015). Collection method: clinical testing. Allele origin: germline.
Comment: This sequence change replaces glutamine with histidine at codon 1671 of the CEP290 protein (p.Gln1671His). The glutamine residue is weakly conserved and there is a small physicochemical difference between glutamine and histidine. This variant is not present in population databases (ExAC no frequency). This variant has not been reported in the literature in individuals affected with CEP290-related conditions. Algorithms developed to predict the effect of missense changes on protein structure and function are either unavailable or do not agree on the potential impact of this missense change (SIFT: "Deleterious"; PolyPhen-2: "Benign"; Align-GVGD: "Class C0"). Algorithms developed to predict the effect of sequence changes on RNA splicing suggest that this variant may disrupt the consensus splice site. In summary, the available evidence is currently insufficient to determine the role of this variant in disease. Therefore, it has been classified as a Variant of Uncertain Significance.